The following is an entry in ClinVar:

NM_007078.3(LDB3):c.859+3G>A

Gene: LDB3 (LIM domain binding 3; plus strand). Cytogenetic location: 10q23.2.
Variant type: single nucleotide variant.
Coding change: c.859+3G>A on transcript NM_007078.3 (MANE Select); 3 bases into the intron after coding-DNA position 859, G replaced by A.
Molecular consequence: intron variant.
Genome position (GRCh38, 1-based): chr10:86,692,068, G>A. VCF-style: chr10-86692068-G-A. GRCh37 (hg19) VCF-style: chr10-88451825-G-A.
Other names: c.859+3G>A (NM_001368064.1, NM_001368063.1, NM_001368065.1 and 1 more transcripts); c.718+3G>A (NM_001368068.1, NM_001368066.1, NM_001080114.2 and 2 more transcripts); c.1063+3G>A (NM_001171610.2, NM_001171611.2).
Identifiers: ClinVar variation 179469 (VCV000179469.6), dbSNP rs376313045, ClinGen allele CA184478.

ClinVar aggregate classification (germline): Uncertain significance. Review status: criteria provided, multiple submitters, no conflicts (2 of 4 stars). 2 submissions from 2 submitters: Uncertain significance (2). Last evaluated 2024-04-24.

Conditions:
Myofibrillar myopathy 4. Also called: Zaspopathy (type). Identifiers: Orphanet 98912, MedGen C4721886, MONDO:0012277, OMIM 609452.

Submissions (2):

Labcorp Genetics (formerly Invitae), Labcorp
Classification: Uncertain significance for Myofibrillar myopathy 4. Last evaluated: 2024-04-24. Review status: criteria provided, single submitter. Criteria: Invitae Variant Classification Sherloc (09022015). Collection method: clinical testing. Allele origin: germline.
Comment: The LDB3 gene has multiple clinically relevant transcripts. This variant occurs in alternate transcript NM_007078.3, and corresponds to NM_001080116.1:c.718+3G>A in the primary transcript. This sequence change falls in intron 6 of the LDB3 gene. It does not directly change the encoded amino acid sequence of the LDB3 protein. It affects a nucleotide within the consensus splice site. This variant is not present in population databases (gnomAD no frequency). This variant has not been reported in the literature in individuals affected with LDB3-related conditions. ClinVar contains an entry for this variant (Variation ID: 179469). Variants that disrupt the consensus splice site are a relatively common cause of aberrant splicing (PMID: 17576681, 9536098). Algorithms developed to predict the effect of sequence changes on RNA splicing suggest that this variant is not likely to affect RNA splicing. In summary, the available evidence is currently insufficient to determine the role of this variant in disease. Therefore, it has been classified as a Variant of Uncertain Significance.

Laboratory for Molecular Medicine, Mass General Brigham Personalized Medicine
Classification: Uncertain significance. Last evaluated: 2013-12-05. Review status: criteria provided, single submitter. Criteria: LMM Criteria. Collection method: clinical testing. Allele origin: germline. Observed: 1 variant allele.
Comment: The 859+3G>A variant in LDB3 has not been previously reported in individuals wit h cardiomyopathy and was absent from large population studies. This variant is l ocated in the 5' splice region. Computational tools do not suggest a negative im pact to splicing, though this information is not predictive enough to rule out p athogenicity. Additional information is needed to fully assess the clinical sign ificance of this variant.

Literature cited by the submitters: PubMed 17576681 (cited by Labcorp Genetics (formerly Invitae), Labcorp); PubMed 9536098 (cited by Labcorp Genetics (formerly Invitae), Labcorp).